The following is an entry in ClinVar:

NM_018180.3(DHX32):c.1191A>G (p.Ser397=)

Genes: BCCIP (BRCA2 and CDKN1A interacting protein; plus strand), DHX32 (DEAH-box helicase 32 (putative); minus strand). Cytogenetic location: 10q26.2.
Variant type: single nucleotide variant.
Coding change: c.1191A>G on transcript NM_018180.3 (MANE Select); coding-DNA position 1191, A replaced by G.
Protein change: p.Ser397=; no amino-acid change (serine 397 retained).
Molecular consequence: synonymous variant. On other transcripts: intron variant (1).
Genome position (GRCh38, 1-based): chr10:125,852,544, T>C on the plus strand (A>G on the coding strand, the complement: DHX32 is on the minus strand). VCF-style: chr10-125852544-T-C. GRCh37 (hg19) VCF-style: chr10-127541113-T-C.
Other names: c.851-581T>C (NM_016567.4).
Identifiers: ClinVar variation 4776910 (VCV004776910.1).
Genomic context (GRCh38, chr10:125,852,544, plus strand): 5'-TTCTGGGTTGCCTGCATACAAGAATTGACAACATTTAGTATTTGTGTCCACAGCACTACC[T>C]GAAGAAGATGAGCCAAGAATCTGCTTGCGTATCTCTGCCTGGCTCTGGCTGATGGGCTGC-3'
Protein context (NP_060650.2, residues 387-407): IRKQILGSSS[Ser397=]GKFFCLYTEE

ClinVar aggregate classification (germline): Uncertain significance (1 of 4 stars; one submission).

gnomAD v4.1: 4 of 1,613,320 alleles (0.00025%); highest among the groups gnomAD compares: African/African-American, 0.004%; no homozygotes.

Submission:

Labcorp Genetics (formerly Invitae), Labcorp
Classification: Uncertain significance. Last evaluated: 2025-04-13. Review status: criteria provided, single submitter. Criteria: Invitae Variant Classification Sherloc (09022015). Collection method: clinical testing. Allele origin: germline.
Comment: This sequence change affects codon 397 of the DHX32 mRNA. It is a 'silent' change, meaning that it does not change the encoded amino acid sequence of the DHX32 protein. It affects a nucleotide within the consensus splice site. This variant is present in population databases (no rsID available, gnomAD 0.008%). This variant has not been reported in the literature in individuals affected with DHX32-related conditions. Algorithms developed to predict the effect of sequence changes on RNA splicing suggest that this variant may disrupt the consensus splice site. In summary, the available evidence is currently insufficient to determine the role of this variant in disease. Therefore, it has been classified as a Variant of Uncertain Significance.